The following is an entry in ClinVar:

ClinVar aggregate classification (germline): Uncertain significance. Review status: reviewed by expert panel (3 of 4 stars). 4 submissions from 4 submitters: Uncertain significance (1). 3 of the submissions do not count toward it. Last evaluated 2026-04-20.

Conditions:
RYR1-related disorder. Also called: RYR1-related disorders; RYR1-related condition. Identifiers: MedGen CN239331.
Malignant hyperthermia of anesthesia. Also called: Anesthesic-triggered malignant hyperthermia. Identifiers: Orphanet 423, MedGen C0024591, MONDO:0018493, HP:0034733.
Malignant hyperthermia, susceptibility to, 1 (MHS1). Also called: Anesthesia related hyperthermia; Malignant hyperpyrexia; Fulminating hyperpyrexia; Pharmacogenic myopathy; Malignant hyperthermia suceptibility 1; RYR1-Related Malignant Hyperthermia Susceptibility. Identifiers: Orphanet 423, MedGen C2930980, MONDO:0007783, OMIM 145600.

Allele frequency attached by ClinVar (database versions not stated): gnomAD 0.00002; TOPMed 0.00003; ESP Exome Variant Server 0.00008.
gnomAD v4.1: 20 of 1,613,980 alleles (0.0012%); highest among the groups gnomAD compares: Admixed American, 0.0017%; no homozygotes.

Submissions (4):

ClinGen Malignant Hyperthermia Susceptibility Variant Curation Expert Panel, ClinGen
Classification: Uncertain significance for Malignant hyperthermia of anesthesia. Last evaluated: 2026-04-20. Review status: reviewed by expert panel. Criteria: RYR1-MHS Interpretation Guidelines V2. Collection method: curation. Allele origin: unknown. Inheritance: Autosomal dominant inheritance. Affected: yes.
Comment: This pathogenicity assessment is relevant only for malignant hyperthermia susceptibility (MHS) inherited in an autosomal dominant pattern. Variants in RYR1 can also cause other myopathies inherited in an autosomal dominant pattern or in an autosomal recessive pattern. Some of these disorders may predispose individuals to malignant hyperthermia. RYR1 variants may also contribute to a malignant hyperthermia reaction in combination with other genetic and non-genetic factors and the clinician needs to consider such factors in making management decisions. This sequence variant predicts a substitution of Valine with Alanine at codon 3324 of the RYR1 protein, p.(Val3324Ala). The maximum allele frequency for this variant among the six major gnomAD populations is NFE: 0.0000269, a frequency consistent with pathogenicity for MHS. This variant has been reported in an individual with a personal or family history of an MH episode and a positive in vitro contracture test (IVCT) or caffeine halothane contracture test (CHCT) result (if the proband was unavailable for testing, a positive diagnostic test result in a mutation-positive relative was counted), PS4_Supporting (PMID:39890490). Functional studies in HEK293 cells showed an increased sensitivity to RYR1 agonists, PS3_Moderate (PMID:39890490). This variant does not reside in a hotspot for pathogenic variants that contribute to MHS (PMID: 21118704). A REVEL score of 0.555 supports neither a pathogenic nor a benign status for this variant. This variant has been classified as a Variant of Unknown Significance. Criteria implemented: PS3_Moderate, PS4_Supporting.

Labcorp Genetics (formerly Invitae), Labcorp
Classification: Uncertain significance for RYR1-related disorder. Last evaluated: 2025-10-21. Review status: criteria provided, single submitter. Criteria: Invitae Variant Classification Sherloc (09022015). Collection method: clinical testing. Allele origin: germline. Not counted in ClinVar's aggregate classification.
Comment: This sequence change replaces valine, which is neutral and non-polar, with alanine, which is neutral and non-polar, at codon 3324 of the RYR1 protein (p.Val3324Ala). This variant is present in population databases (rs141515745, gnomAD 0.002%). This variant has not been reported in the literature in individuals affected with RYR1-related conditions. ClinVar contains an entry for this variant (Variation ID: 979084). Invitae Evidence Modeling of protein sequence and biophysical properties (such as structural, functional, and spatial information, amino acid conservation, physicochemical variation, residue mobility, and thermodynamic stability) indicates that this missense variant is not expected to disrupt RYR1 protein function with a negative predictive value of 80%. In summary, the available evidence is currently insufficient to determine the role of this variant in disease. Therefore, it has been classified as a Variant of Uncertain Significance.

Blueprint Genetics
Classification: Uncertain significance. Last evaluated: 2024-03-18. Review status: criteria provided, single submitter. Criteria: ACMG Guidelines, 2015. Collection method: clinical testing. Allele origin: germline. Not counted in ClinVar's aggregate classification.

Human Genome Sequencing Center Clinical Lab, Baylor College of Medicine
Classification: Uncertain significance for Malignant hyperthermia suceptibility 1. Review status: criteria provided, single submitter. Criteria: ACMG Guidelines, 2015. Collection method: clinical testing. Allele origin: germline. Not counted in ClinVar's aggregate classification.

NM_000540.3(RYR1):c.9971T>C (p.Val3324Ala)

Gene: RYR1 (ryanodine receptor 1; plus strand). Cytogenetic location: 19q13.2.
Variant type: single nucleotide variant.
Coding change: c.9971T>C on transcript NM_000540.3 (MANE Select); coding-DNA position 9971, T replaced by C.
Protein change: p.Val3324Ala; replaces valine 3324 with alanine.
Molecular consequence: missense variant.
Genome position (GRCh38, 1-based): chr19:38,517,644, T>C. VCF-style: chr19-38517644-T-C. GRCh37 (hg19) VCF-style: chr19-39008284-T-C.
Other names: c.9971T>C, p.Val3324Ala (NM_001042723.2); short protein forms V3324A.
Identifiers: ClinVar variation 979084 (VCV000979084.9), dbSNP rs141515745, ClinGen allele CA308130002.